The following is an entry in ClinVar:

NM_000026.4(ADSL):c.1400C>G (p.Pro467Arg)

Gene: ADSL (adenylosuccinate lyase; plus strand). Cytogenetic location: 22q13.1.
Variant type: single nucleotide variant.
Coding change: c.1400C>G on transcript NM_000026.4 (MANE Select); coding-DNA position 1400, C replaced by G.
Protein change: p.Pro467Arg; replaces proline 467 with arginine.
Molecular consequence: missense variant. On other transcripts: non-coding transcript variant (1).
Genome position (GRCh38, 1-based): chr22:40,366,467, C>G. VCF-style: chr22-40366467-C-G. GRCh37 (hg19) VCF-style: chr22-40762471-C-G.
Other names: c.1223C>G, p.Pro408Arg (NM_001123378.3); c.1208C>G, p.Pro403Arg (NM_001317923.2); c.1400C>G, p.Pro467Arg (NM_001363840.3); short protein forms P467R, P408R, P403R.
Identifiers: ClinVar variation 381551 (VCV000381551.8), dbSNP rs1057521071, ClinGen allele CA16609100.

ClinVar aggregate classification (germline): Conflicting classifications of pathogenicity. Review status: criteria provided, conflicting classifications (1 of 4 stars). 3 submissions from 3 submitters: Likely pathogenic (2); Uncertain significance (1). Last evaluated 2022-05-06.

Conditions:
ADSL-related disorder. Also called: ADSL-related condition.
Adenylosuccinate lyase deficiency (ADSLD). Also called: ADSL DEFICIENCY. Identifiers: Orphanet 46, MedGen C0268126, MONDO:0007068, OMIM 103050.

Allele frequency attached by ClinVar (database versions not stated): gnomAD exomes below 0.00001.
gnomAD v4.1: 1 of 1,613,372 alleles (0.000062%); highest among the groups gnomAD compares: Non-Finnish European, 0.000085%; no homozygotes.

Submissions (3):

Blueprint Genetics
Classification: Likely pathogenic for ADSL-related disorders. Last evaluated: 2022-05-06. Review status: criteria provided, single submitter. Criteria: ACMG Guidelines, 2015. Collection method: clinical testing. Allele origin: germline. Affected: yes. Observed: 2 variant alleles.

Labcorp Genetics (formerly Invitae), Labcorp
Classification: Uncertain significance for Adenylosuccinate lyase deficiency. Last evaluated: 2021-08-24. Review status: criteria provided, single submitter. Criteria: Invitae Variant Classification Sherloc (09022015). Collection method: clinical testing. Allele origin: germline.
Comment: This sequence change replaces proline with arginine at codon 467 of the ADSL protein (p.Pro467Arg). The proline residue is highly conserved and there is a moderate physicochemical difference between proline and arginine. This variant is not present in population databases (ExAC no frequency). This missense change has been observed in individual(s) with ADSL deficiency (PMID: 16839792, 20127976). ClinVar contains an entry for this variant (Variation ID: 381551). Algorithms developed to predict the effect of missense changes on protein structure and function are either unavailable or do not agree on the potential impact of this missense change (SIFT: "Deleterious"; PolyPhen-2: "Possibly Damaging"; Align-GVGD: "Class C0"). Experimental studies have shown that this missense change affects ADSL function (PMID: 22180458). In summary, the available evidence is currently insufficient to determine the role of this variant in disease. Therefore, it has been classified as a Variant of Uncertain Significance.

GeneDx
Classification: Likely pathogenic. Last evaluated: 2016-03-03. Review status: criteria provided, single submitter. Criteria: GeneDx Variant Classification (06012015). Collection method: clinical testing. Allele origin: germline. Affected: yes.
Comment: The P467R variant in the ADSL gene has been reported previously in the presence of a second ADSL missense variant in an individual with Type 1 adenylsuccinate lyase deficiency (Spiegel et al, 2006; Zikanova et al., 2010). The P467R variant was not observed in approximately 6500 individuals of European and African American ancestry in the NHLBI Exome Sequencing Project, indicating it is not a common benign variant in these populations. The P467R variant is a non-conservative amino acid substitution, which is likely to impact secondary protein structure as these residues differ in polarity, charge, size and/or other properties. This substitution occurs at a position that is conserved across species. In silico analysis predicts this variant is probably damaging to the protein structure/function. Therefore, we interpret P467R as a likely pathogenic variant, however the possibility it may be a rare benign variant cannot be excluded.

Literature cited by the submitters: PubMed 16839792 (cited by Labcorp Genetics (formerly Invitae), Labcorp); PubMed 20127976 (cited by Labcorp Genetics (formerly Invitae), Labcorp); PubMed 22180458 (cited by Labcorp Genetics (formerly Invitae), Labcorp).